The following is an entry in ClinVar:

NM_012452.3(TNFRSF13B):c.659T>C (p.Val220Ala)

Gene: TNFRSF13B (TNF receptor superfamily member 13B; minus strand). Cytogenetic location: 17p11.2.
Variant type: single nucleotide variant.
Coding change: c.659T>C on transcript NM_012452.3 (MANE Select); coding-DNA position 659, T replaced by C.
Protein change: p.Val220Ala; replaces valine 220 with alanine.
Molecular consequence: missense variant.
Genome position (GRCh38, 1-based): chr17:16,939,770, A>G on the plus strand (T>C on the coding strand, the complement: TNFRSF13B is on the minus strand). VCF-style: chr17-16939770-A-G. GRCh37 (hg19) VCF-style: chr17-16843084-A-G.
Other names: short protein forms V220A.
Identifiers: ClinVar variation 36878 (VCV000036878.29), dbSNP rs56063729, ClinGen allele CA214375.

ClinVar aggregate classification (germline): Benign/Likely benign. Review status: criteria provided, multiple submitters, no conflicts (2 of 4 stars). 7 submissions from 7 submitters: Benign (3); Likely benign (2). 2 of the submissions do not count toward it. Last evaluated 2026-02-04.

Conditions:
Immunodeficiency, common variable, 2 (CVID2). Also called: HYPOGAMMAGLOBULINEMIA DUE TO TACI DEFICIENCY; ANTIBODY DEFICIENCY DUE TO TACI DEFECT. Identifiers: Orphanet 1572, MedGen C3150354, MONDO:0009413, OMIM 240500.

Allele frequency attached by ClinVar (database versions not stated): 1000 Genomes Project 0.00539; TOPMed 0.01339; gnomAD exomes 0.01620 and 0.01797; 1000 Genomes Project 30x 0.00500; gnomAD 0.01514 and 0.01586; ESP Exome Variant Server 0.01732; ExAC 0.01695.
gnomAD v4.1: 28,433 of 1,611,396 alleles (1.8%); highest among the groups gnomAD compares: Non-Finnish European, 2%; 319 homozygotes.

Submissions (7):

Labcorp Genetics (formerly Invitae), Labcorp
Classification: Benign for Immunodeficiency, common variable, 2. Last evaluated: 2026-02-04. Review status: criteria provided, single submitter. Criteria: Invitae Variant Classification Sherloc (09022015). Collection method: clinical testing. Allele origin: germline.

ARUP Laboratories, Molecular Genetics and Genomics, ARUP Laboratories
Classification: Benign. Last evaluated: 2024-11-23. Review status: criteria provided, single submitter. Criteria: ARUP Molecular Germline Variant Investigation Process 2024. Collection method: clinical testing. Allele origin: germline.

Mayo Clinic Laboratories, Mayo Clinic
Classification: Benign. Last evaluated: 2019-08-07. Review status: criteria provided, single submitter. Criteria: ACMG Guidelines, 2015. Collection method: clinical testing. Allele origin: germline. Observed: 10 variant alleles.

Women's Health and Genetics/Laboratory Corporation of America, LabCorp
Classification: Likely benign for Common Variable Immunodeficiency. Last evaluated: 2011-08-18. Review status: criteria provided, single submitter. Criteria: LabCorp Variant Classification Summary - May 2015. Collection method: curation, clinical testing. Allele origin: germline. Inheritance: autosomal unknown. Affected: yes.
ClinVar note: Converted during submission from likely benign to Likely benign.

Breakthrough Genomics
Classification: Likely benign. Review status: criteria provided, single submitter. Criteria: ACMG Guidelines, 2015. Collection method: not provided. Allele origin: germline. Inheritance: Autosomal recessive inheritance. Affected: yes.

Genome Diagnostics Laboratory, University Medical Center Utrecht
Classification: Likely benign. Review status: no assertion criteria provided. Collection method: clinical testing. Allele origin: germline. Affected: yes. Study: VKGL Data-share Consensus. Not counted in ClinVar's aggregate classification.

Laboratory of Diagnostic Genome Analysis, Leiden University Medical Center (LUMC)
Classification: Likely benign. Review status: no assertion criteria provided. Collection method: clinical testing. Allele origin: germline. Affected: yes. Study: VKGL Data-share Consensus. Not counted in ClinVar's aggregate classification.

Literature cited by the submitters: PubMed 18978466 (cited by Women's Health and Genetics/Laboratory Corporation of America, LabCorp); PubMed 18981294 (cited by Women's Health and Genetics/Laboratory Corporation of America, LabCorp); PubMed 17464555 (cited by Women's Health and Genetics/Laboratory Corporation of America, LabCorp); PubMed 16782407 (cited by Women's Health and Genetics/Laboratory Corporation of America, LabCorp); PubMed 16007087 (cited by Women's Health and Genetics/Laboratory Corporation of America, LabCorp); PubMed 17983875 (cited by Women's Health and Genetics/Laboratory Corporation of America, LabCorp); PubMed 17392797 (cited by Women's Health and Genetics/Laboratory Corporation of America, LabCorp); PubMed 17556024 (cited by Women's Health and Genetics/Laboratory Corporation of America, LabCorp); PubMed 17392798 (cited by Women's Health and Genetics/Laboratory Corporation of America, LabCorp); PubMed 20676093 (cited by Women's Health and Genetics/Laboratory Corporation of America, LabCorp); PubMed 17192819 (cited by Women's Health and Genetics/Laboratory Corporation of America, LabCorp).